The following is an entry in ClinVar:

ClinVar aggregate classification (germline): Benign. Review status: criteria provided, single submitter (1 of 4 stars). 2 submissions from 2 submitters: Benign (1). 1 of the submissions does not count toward it. Last evaluated 2018-07-31.

Conditions:
PCSK5-related disorder. Also called: PCSK5-related condition.

Allele frequency attached by ClinVar (database versions not stated): gnomAD exomes 0.00008 and 0.00018; ExAC 0.00023; 1000 Genomes Project 0.00040; 1000 Genomes Project 30x 0.00047; ESP Exome Variant Server 0.00087; TOPMed 0.00096; gnomAD 0.00099 and 0.00106.
gnomAD v4.1: 261 of 1,612,256 alleles (0.016%); highest among the groups gnomAD compares: African/African-American, 0.33%; 3 homozygotes.

Submissions (2):

Labcorp Genetics (formerly Invitae), Labcorp
Classification: Benign. Last evaluated: 2018-07-31. Review status: criteria provided, single submitter. Criteria: Invitae Variant Classification Sherloc (09022015). Collection method: clinical testing. Allele origin: germline.

PreventionGenetics, part of Exact Sciences
Classification: Likely benign for PCSK5-related condition. Last evaluated: 2021-02-15. Review status: no assertion criteria provided. Collection method: clinical testing. Allele origin: germline. Not counted in ClinVar's aggregate classification.
Comment: This variant is classified as likely benign based on ACMG/AMP sequence variant interpretation guidelines (Richards et al. 2015 PMID: 25741868, with internal and published modifications).

NM_001372043.1(PCSK5):c.3483G>A (p.Val1161=)

Gene: PCSK5 (proprotein convertase subtilisin/kexin type 5; plus strand). Cytogenetic location: 9q21.13.
Variant type: single nucleotide variant.
Coding change: c.3483G>A on transcript NM_001372043.1 (MANE Select); coding-DNA position 3483, G replaced by A.
Protein change: p.Val1161=; no amino-acid change (valine 1161 retained).
Molecular consequence: synonymous variant.
Genome position (GRCh38, 1-based): chr9:76,296,825, G>A. VCF-style: chr9-76296825-G-A. GRCh37 (hg19) VCF-style: chr9-78911741-G-A.
Other names: c.3483G>A, p.Val1161= (NM_001190482.2).
Identifiers: ClinVar variation 727679 (VCV000727679.5), dbSNP rs372724311, ClinGen allele CA5087574.